The following is an entry in ClinVar:

NM_004715.5(CTDP1):c.1998G>A (p.Lys666=)

Gene: CTDP1 (CTD phosphatase 1; plus strand). Cytogenetic location: 18q23.
Variant type: single nucleotide variant.
Coding change: c.1998G>A on transcript NM_004715.5 (MANE Select); coding-DNA position 1998, G replaced by A.
Protein change: p.Lys666=; no amino-acid change (lysine 666 retained).
Molecular consequence: synonymous variant.
Genome position (GRCh38, 1-based): chr18:79,715,458, G>A. VCF-style: chr18-79715458-G-A. GRCh37 (hg19) VCF-style: chr18-77475458-G-A.
Other names: c.1641G>A, p.Lys547= (NM_001202504.1); c.1998G>A, p.Lys666= (NM_001318511.2, NM_048368.4).
Identifiers: ClinVar variation 2648833 (VCV002648833.24), dbSNP rs776325532, ClinGen allele CA9010425.

ClinVar aggregate classification (germline): Likely benign (1 of 4 stars; one submission).

Allele frequency attached by ClinVar (database versions not stated): ExAC 0.00002.
gnomAD v4.1: 4 of 1,588,490 alleles (0.00025%); highest among the groups gnomAD compares: Non-Finnish European, 0.00034%; no homozygotes.

Submission:

CeGaT Center for Human Genetics Tuebingen
Classification: Likely benign. Last evaluated: 2023-03-01. Review status: criteria provided, single submitter. Criteria: CeGaT Center For Human Genetics Tuebingen Variant Classification Criteria Version 2. Collection method: clinical testing. Allele origin: germline. Affected: yes. Observed: 1 variant allele.
Comment: CTDP1: BP4, BP7